The following is an entry in ClinVar:

ClinVar aggregate classification (germline): Pathogenic (1 of 4 stars; one submission).

Conditions:
Autosomal recessive polycystic kidney disease (ARPKD). Also called: AR polycystic kidney disease. Identifiers: Orphanet 731, Orphanet 8378, MedGen C0085548, MeSH D017044, MONDO:0009889.

Submission:

Labcorp Genetics (formerly Invitae), Labcorp
Classification: Pathogenic for Autosomal recessive polycystic kidney disease. Last evaluated: 2022-07-23. Review status: criteria provided, single submitter. Criteria: Invitae Variant Classification Sherloc (09022015). Collection method: clinical testing. Allele origin: germline.
Comment: For these reasons, this variant has been classified as Pathogenic. This variant has not been reported in the literature in individuals affected with PKHD1-related conditions. This variant is a gross deletion of the genomic region encompassing exon(s) 49-52 of the PKHD1 gene. This deletion is out-of-frame, and is expected to create a premature termination codon and result in an absent or disrupted protein product. Loss-of-function variants in PKHD1 are known to be pathogenic (PMID: 19940839).

Literature cited by the submitters: PubMed 19940839.

NC_000006.11:g.(?_51695649)_(51720878_?)del

Gene: PKHD1 (PKHD1 ciliary IPT domain containing fibrocystin/polyductin; minus strand). Cytogenetic location: 6p12.3.
Variant type: Deletion.
Identifiers: ClinVar variation 2427253 (VCV002427253.5).